The following is an entry in ClinVar:

ClinVar aggregate classification (germline): Uncertain significance (1 of 4 stars; one submission).

Conditions:
Hereditary insensitivity to pain with anhidrosis (CIPA). Also called: INSENSITIVITY TO PAIN, CONGENITAL, WITH ANHIDROSIS; FAMILIAL DYSAUTONOMIA, TYPE II; NEUROPATHY, CONGENITAL SENSORY, WITH ANHIDROSIS; HSAN Type IV; hereditary sensory and autonomic neuropathy type 4; NTRK1 Congenital Insensitivity to Pain with Anhidrosis. Identifiers: Orphanet 642, MedGen C0020074, MONDO:0009746, OMIM 256800.

Submission:

Diagnostics Services (NGS), CSIR - Centre For Cellular And Molecular Biology
Classification: Uncertain significance for Hereditary insensitivity to pain with anhidrosis. Last evaluated: 2025-06-20. Review status: criteria provided, single submitter. Criteria: ACMG Guidelines, 2015. Collection method: clinical testing. Allele origin: germline. Affected: yes. Observed: 1 variant allele, 1 homozygote.
Comment: The c.1136T>A variant is not present in publicly available population databases like 1000 Genomes, EVS, gnomAD, Indian Exome Database or our internal database. This variant has neither been published in the literature for NTRK1-related conditions nor reported to clinical databases like Human Genome Mutation database (HGMD), ClinVar or OMIM in any affected individuals. In-silico pathogenicity prediction programs like Polyphen-2, MutationTaster2021, CADD etc predicted this variant to be likely deleterious, however these predictions were not confirmed by published functional studies.

NM_002529.4(NTRK1):c.1136T>A (p.Met379Lys)

Gene: NTRK1 (neurotrophic receptor tyrosine kinase 1; plus strand). Cytogenetic location: 1q23.1.
Variant type: single nucleotide variant.
Coding change: c.1136T>A on transcript NM_002529.4 (MANE Select); coding-DNA position 1136, T replaced by A.
Protein change: p.Met379Lys; replaces methionine 379 with lysine.
Molecular consequence: missense variant.
Genome position (GRCh38, 1-based): chr1:156,873,918, T>A. VCF-style: chr1-156873918-T-A. GRCh37 (hg19) VCF-style: chr1-156843710-T-A.
Other names: c.1046T>A, p.Met349Lys (NM_001007792.1); c.1136T>A, p.Met379Lys (NM_001012331.2); short protein forms M349K, M379K.
Identifiers: ClinVar variation 4057285 (VCV004057285.1).
Genomic context (GRCh38, chr1:156,873,918, plus strand): 5'-ACACGCTGCTGGCTGCCAACCCCTTCGGCCAGGCCTCCGCCTCCATCATGGCTGCCTTCA[T>A]GGACAACCCTTTCGAGTTCAACCCCGAGGACCCCATCCCTGGTGCGAGGGCCATCCTGAA-3'
Protein context (NP_002520.2, residues 369-389): QASASIMAAF[Met379Lys]DNPFEFNPED